The following is an entry in ClinVar:

NM_004336.5(BUB1):c.3131T>G (p.Leu1044Arg)

Gene: BUB1 (BUB1 mitotic checkpoint serine/threonine kinase; minus strand). Cytogenetic location: 2q13.
Variant type: single nucleotide variant.
Coding change: c.3131T>G on transcript NM_004336.5 (MANE Select); coding-DNA position 3131, T replaced by G.
Protein change: p.Leu1044Arg; replaces leucine 1044 with arginine.
Molecular consequence: missense variant.
Genome position (GRCh38, 1-based): chr2:110,638,091, A>C on the plus strand (T>G on the coding strand, the complement: BUB1 is on the minus strand). VCF-style: chr2-110638091-A-C. GRCh37 (hg19) VCF-style: chr2-111395668-A-C.
Other names: c.3071T>G, p.Leu1024Arg (NM_001278616.2); c.2960T>G, p.Leu987Arg (NM_001278617.2); short protein forms L1024R, L987R, L1044R.
Identifiers: ClinVar variation 1727976 (VCV001727976.2), dbSNP rs55839851, ClinGen allele CA348088478.

ClinVar aggregate classification (germline): Uncertain significance (1 of 4 stars; one submission).

Submission:

Ambry Genetics
Classification: Uncertain significance. Last evaluated: 2021-09-23. Review status: criteria provided, single submitter. Criteria: Ambry Variant Classification Scheme 2023. Collection method: clinical testing. Allele origin: germline.
Comment: The p.L1044R variant (also known as c.3131T>G), located in coding exon 25 of the BUB1 gene, results from a T to G substitution at nucleotide position 3131. The leucine at codon 1044 is replaced by arginine, an amino acid with dissimilar properties. This amino acid position is conserved. In addition, the in silico prediction for this alteration is inconclusive. Since supporting evidence is limited at this time, the clinical significance of this alteration remains unclear.